The following is an entry in ClinVar:

ClinVar aggregate classification (germline): Uncertain significance. Review status: criteria provided, multiple submitters, no conflicts (2 of 4 stars). 2 submissions from 2 submitters: Uncertain significance (2). Last evaluated 2024-03-19.

Conditions:
Hereditary cancer-predisposing syndrome. Also called: Neoplastic Syndromes, Hereditary; Tumor predisposition; Hereditary Cancer Syndrome; Hereditary neoplastic syndrome. Identifiers: Orphanet 140162, MedGen C0027672, MeSH D009386, MONDO:0015356.

Allele frequency attached by ClinVar (database versions not stated): gnomAD exomes below 0.00001.

Submissions (2):

Ambry Genetics
Classification: Uncertain significance for Hereditary cancer-predisposing syndrome. Last evaluated: 2024-03-19. Review status: criteria provided, single submitter. Criteria: Ambry Variant Classification Scheme 2023. Collection method: clinical testing. Allele origin: germline.
Comment: The p.N1292D variant (also known as c.3874A>G), located in coding exon 25 of the RAD50 gene, results from an A to G substitution at nucleotide position 3874. The asparagine at codon 1292 is replaced by aspartic acid, an amino acid with highly similar properties. This amino acid position is highly conserved in available vertebrate species. In addition, this alteration is predicted to be tolerated by in silico analysis. Since supporting evidence is limited at this time, the clinical significance of this alteration remains unclear.

Labcorp Genetics (formerly Invitae), Labcorp
Classification: Uncertain significance for Hereditary cancer-predisposing syndrome. Last evaluated: 2020-11-06. Review status: criteria provided, single submitter. Criteria: Invitae Variant Classification Sherloc (09022015). Collection method: clinical testing. Allele origin: germline.
Comment: In summary, the available evidence is currently insufficient to determine the role of this variant in disease. Therefore, it has been classified as a Variant of Uncertain Significance. Algorithms developed to predict the effect of missense changes on protein structure and function (SIFT, PolyPhen-2, Align-GVGD) all suggest that this variant is likely to be tolerated, but these predictions have not been confirmed by published functional studies and their clinical significance is uncertain. This variant has not been reported in the literature in individuals with RAD50-related conditions. ClinVar contains an entry for this variant (Variation ID: 484721). This variant is not present in population databases (ExAC no frequency). This sequence change replaces asparagine with aspartic acid at codon 1292 of the RAD50 protein (p.Asn1292Asp). The asparagine residue is moderately conserved and there is a small physicochemical difference between asparagine and aspartic acid.

NM_005732.4(RAD50):c.3874A>G (p.Asn1292Asp)

Genes: RAD50 (RAD50 double strand break repair protein; plus strand), TH2LCRR (T helper type 2 locus control region associated RNA; minus strand). Cytogenetic location: 5q31.1.
Variant type: single nucleotide variant.
Coding change: c.3874A>G on transcript NM_005732.4 (MANE Select); coding-DNA position 3874, A replaced by G.
Protein change: p.Asn1292Asp; replaces asparagine 1292 with aspartic acid.
Molecular consequence: missense variant.
Genome position (GRCh38, 1-based): chr5:132,642,299, A>G. VCF-style: chr5-132642299-A-G. GRCh37 (hg19) VCF-style: chr5-131977991-A-G.
Other names: short protein forms N1292D.
Identifiers: ClinVar variation 484721 (VCV000484721.13), dbSNP rs1554101333, ClinGen allele CA360937122.
Genomic context (GRCh38, chr5:132,642,299, plus strand): 5'-GATTTTGTGGAGCTTTTAGGACGTTCTGAATATGTGGAGAAATTCTACAGGATTAAAAAG[A>G]ACATCGATCAGTGCTCAGAGATTGTGAAATGCAGTGTTAGCTCCCTGGGATTCAATGTTC-3'
Protein context (NP_005723.2, residues 1282-1302): YVEKFYRIKK[Asn1292Asp]IDQCSEIVKC